The following is an entry in ClinVar:

GRCh37/hg19 Xp11.4(chrX:38485991-38626762)x3

Gene: TSPAN7 (tetraspanin 7; plus strand). Cytogenetic location: Xp11.4.
Variant type: copy number gain.
Change: copy number 3 of chrX:38,485,991-38,626,762 (140.8 kb, GRCh37 coordinates, 1-based), cytogenetic band Xp11.4.
Identifiers: ClinVar variation 202216 (VCV000202216.4).

ClinVar aggregate classification (germline): Uncertain significance (1 of 4 stars; one submission).

Submission:

Cytogenetics Laboratory, University of Washington
Classification: Uncertain significance. Last evaluated: 2015-01-21. Review status: criteria provided, single submitter. Criteria: UW Cytogenetics and Genomics Laboratory Policy on CNV Interpretation (5/6/2015). Collection method: clinical testing. Allele origin: unknown. Affected: yes. Observed: 1 variant allele.

Literature cited by the submitters: PubMed 22445342; PubMed 17546640; PubMed 22511893; PubMed 18925931; PubMed 19339915; PubMed 22796527; PubMed 22659343; PubMed 25503493; PubMed 21559371.